The following is an entry in ClinVar:

NM_022821.4(ELOVL1):c.237+6C>T

Gene: ELOVL1 (ELOVL fatty acid elongase 1; minus strand). Cytogenetic location: 1p34.2.
Variant type: single nucleotide variant.
Coding change: c.237+6C>T on transcript NM_022821.4 (MANE Select); 6 bases into the intron after coding-DNA position 237, C replaced by T.
Molecular consequence: intron variant.
Genome position (GRCh38, 1-based): chr1:43,365,180, G>A on the plus strand (C>T on the coding strand, the complement: ELOVL1 is on the minus strand). VCF-style: chr1-43365180-G-A. GRCh37 (hg19) VCF-style: chr1-43830851-G-A.
Other names: c.-6-172C>T (NM_001256402.2); c.237+6C>T (NM_001256401.2, NM_001256399.2).
Identifiers: ClinVar variation 3615848 (VCV003615848.2).

ClinVar aggregate classification (germline): Uncertain significance (1 of 4 stars; one submission).

gnomAD v4.1: 1 of 1,613,072 alleles (0.000062%); highest among the groups gnomAD compares: African/African-American, 0.0013%; no homozygotes.

Submission:

Labcorp Genetics (formerly Invitae), Labcorp
Classification: Uncertain significance. Last evaluated: 2024-10-25. Review status: criteria provided, single submitter. Criteria: Invitae Variant Classification Sherloc (09022015). Collection method: clinical testing. Allele origin: germline.
Comment: This sequence change falls in intron 3 of the ELOVL1 gene. It does not directly change the encoded amino acid sequence of the ELOVL1 protein. It affects a nucleotide within the consensus splice site. This variant is not present in population databases (gnomAD no frequency). This variant has not been reported in the literature in individuals affected with ELOVL1-related conditions. Variants that disrupt the consensus splice site are a relatively common cause of aberrant splicing (PMID: 17576681, 9536098). Algorithms developed to predict the effect of sequence changes on RNA splicing suggest that this variant is not likely to affect RNA splicing. In summary, the available evidence is currently insufficient to determine the role of this variant in disease. Therefore, it has been classified as a Variant of Uncertain Significance.

Literature cited by the submitters: PubMed 17576681; PubMed 9536098.